The following is an entry in ClinVar:

ClinVar aggregate classification (germline): Uncertain significance. Review status: criteria provided, multiple submitters, no conflicts (2 of 4 stars). 8 submissions from 8 submitters: Uncertain significance (8). Last evaluated 2025-11-19.

Conditions:
Hereditary cancer-predisposing syndrome. Also called: Hereditary Cancer Syndrome; Tumor predisposition; Neoplastic Syndromes, Hereditary; Hereditary neoplastic syndrome. Identifiers: Orphanet 140162, MedGen C0027672, MeSH D009386, MONDO:0015356.
Familial cancer of breast. Also called: hereditary breast carcinoma; BREAST CANCER, FAMILIAL; Hereditary breast cancer. Identifiers: Orphanet 227535, MedGen C0346153, MONDO:0016419, OMIM 114480. Disease mechanism: loss of function.
Familial prostate cancer. Also called: Hereditary Prostate Cancer. Identifiers: MedGen C2931456, MONDO:0700275, OMIM 176807.
Bone osteosarcoma. Also called: Osteosarcoma, somatic. Identifiers: Orphanet 668, MedGen C0585442, MONDO:0002629, OMIM 259500.
CHEK2-related cancer predisposition (TPDS4). Also called: CHEK2-related cancer susceptibility; TUMOR PREDISPOSITION SYNDROME 4; CANCER PREDISPOSITION SYNDROME, CHEK2-RELATED. Identifiers: Orphanet 524, MedGen C5882668, MONDO:0700271, OMIM 609265.

Allele frequency attached by ClinVar (database versions not stated): gnomAD 0.00001; gnomAD exomes 0.00001 and below 0.00001.

Submissions (8):

Labcorp Genetics (formerly Invitae), Labcorp
Classification: Uncertain significance for Familial cancer of breast. Last evaluated: 2025-11-19. Review status: criteria provided, single submitter. Criteria: Invitae Variant Classification Sherloc (09022015). Collection method: clinical testing. Allele origin: germline.
Comment: This sequence change replaces lysine, which is basic and polar, with glutamic acid, which is acidic and polar, at codon 312 of the CHEK2 protein (p.Lys312Glu). This variant is present in population databases (no rsID available, gnomAD 0.006%). This missense change has been observed in individual(s) with breast cancer and/or thyroid cancer (PMID: 34326862). ClinVar contains an entry for this variant (Variation ID: 422065). An algorithm developed to predict the effect of missense changes on protein structure and function (PolyPhen-2) suggests that this variant is likely to be tolerated. In summary, the available evidence is currently insufficient to determine the role of this variant in disease. Therefore, it has been classified as a Variant of Uncertain Significance.

Quest Diagnostics Nichols Institute San Juan Capistrano
Classification: Uncertain significance. Last evaluated: 2025-05-07. Review status: criteria provided, single submitter. Criteria: Quest Diagnostics criteria. Collection method: clinical testing. Allele origin: unknown.
Comment: The CHEK2 c.934A>G (p.Lys312Glu) variant has been reported in the published literature in an individual with a personal and/or family history of breast, thyroid, and breast cancer (PMID: 34326862 (2021)). A functional study have reported inconclusive results on the effect this variant has on protein function (PMID: 37449874 (2023)). The frequency of this variant in the general population (Genome Aggregation Database) is uninformative in the assessment of its pathogenicity. Analysis of this variant using bioinformatics tools for the prediction of the effect of amino acid changes on protein structure and function yielded predictions that this variant is benign. Based on the available information, we are unable to determine the clinical significance of this variant.

Ambry Genetics
Classification: Uncertain significance for Hereditary cancer-predisposing syndrome. Last evaluated: 2024-10-02. Review status: criteria provided, single submitter. Criteria: Ambry Variant Classification Scheme 2023. Collection method: clinical testing. Allele origin: germline.
Comment: The p.K312E variant (also known as c.934A>G), located in coding exon 8 of the CHEK2 gene, results from an A to G substitution at nucleotide position 934. The lysine at codon 312 is replaced by glutamic acid, an amino acid with similar properties. This alteration was not observed in 53 unselected male breast cancer patients and was observed with an allele frequency of 0.0001 in 12490 male controls of Japanese ancestry (Momozawa Y et al. Nat Commun, 2018 10;9:4083). This amino acid position is poorly conserved in available vertebrate species. In addition, the in silico prediction for this alteration is inconclusive. Since supporting evidence is limited at this time, the clinical significance of this alteration remains unclear.

Fulgent Genetics
Classification: Uncertain significance for Familial prostate cancer; Bone osteosarcoma; CHEK2-related cancer predisposition. Last evaluated: 2024-06-13. Review status: criteria provided, single submitter. Criteria: ACMG Guidelines, 2015. Collection method: clinical testing. Allele origin: germline.

Baylor Genetics
Classification: Uncertain significance for Familial cancer of breast. Last evaluated: 2023-09-07. Review status: criteria provided, single submitter. Criteria: ACMG Guidelines, 2015. Collection method: clinical testing. Allele origin: unknown.

Sema4
Classification: Uncertain significance for Hereditary cancer-predisposing syndrome. Last evaluated: 2021-05-18. Review status: criteria provided, single submitter. Criteria: Sema4 Curation Guidelines. Collection method: curation. Allele origin: germline.
Comment: To the best of our knowledge, the CHEK2 c.934A>G (p.K312E) variant has not been reported in individuals with CHEK2-related disease. It was observed in 2/34564 chromosomes of the Latino subpopulation in the large and broad cohorts of the Genome Aggregation Database (PMID: 32461654). The variant has been reported in ClinVar (Variation ID 422065). Computational analyses and evolutionary conservation suggest that the variant does not impact the function of protein, however these predictions have not been confirmed by published functional studies. The evidence is insufficient to meet ACMG/AMP criteria for classifying the variant as benign or pathogenic. Thus, the clinical significance of this variant is currently uncertain.

Color Diagnostics, LLC DBA Color Health
Classification: Uncertain significance for Hereditary cancer-predisposing syndrome. Last evaluated: 2019-09-24. Review status: criteria provided, single submitter. Criteria: ACMG Guidelines, 2015. Collection method: clinical testing. Allele origin: germline.
Comment: This missense variant replaces lysine with glutamic acid at codon 312 of the CHEK2 protein. Computational prediction tool suggests that this variant may not impact protein structure and function. Splice site prediction tools suggest that this variant may not impact RNA splicing. To our knowledge, functional studies have not been performed for this variant. This variant has not been reported in individuals affected with hereditary cancer in the literature. This variant has been identified in 2/251418 chromosomes in the general population by the Genome Aggregation Database (gnomAD). The available evidence is insufficient to determine the role of this variant in disease conclusively. Therefore, this variant is classified as a Variant of Uncertain Significance.

GeneDx
Classification: Uncertain significance. Last evaluated: 2016-08-21. Review status: criteria provided, single submitter. Criteria: GeneDx Variant Classification (06012015). Collection method: clinical testing. Allele origin: germline. Affected: yes.
Comment: This variant is denoted CHEK2 c.934A>G at the cDNA level, p.Lys312Glu (K312E) at the protein level, and results in the change of a Lysine to a Glutamic Acid (AAA>GAA). This variant has not, to our knowledge, been published in the literature as pathogenic or benign. CHEK2 Lys312Glu was not observed at a significant allele frequency in the NHLBI Exome Sequencing Project. Since Lysine and Glutamic Acid differ in polarity, charge, size or other properties, this is considered a non-conservative amino acid substitution. CHEK2 Lys312Glu occurs at a position where amino acids with properties similar to Lysine are tolerated across species and is located within the kinase domain (Desrichard 2011, Roeb 2012). In silico analyses are inconsistent regarding the effect this variant may have on protein structure and function. Based on currently available evidence, it is unclear whether CHEK2 Lys312Glu is a pathogenic or benign variant. We consider it to be a variant of uncertain significance.

Literature cited by the submitters: PubMed 34326862 (cited by Labcorp Genetics (formerly Invitae), Labcorp and Quest Diagnostics Nichols Institute San Juan Capistrano); PubMed 37449874 (cited by Quest Diagnostics Nichols Institute San Juan Capistrano); PubMed 30287823 (cited by Ambry Genetics).

NM_007194.4(CHEK2):c.934A>G (p.Lys312Glu)

Gene: CHEK2 (checkpoint kinase 2; minus strand). Cytogenetic location: 22q12.1.
Variant type: single nucleotide variant.
Coding change: c.934A>G on transcript NM_007194.4 (MANE Select); coding-DNA position 934, A replaced by G.
Protein change: p.Lys312Glu; replaces lysine 312 with glutamic acid.
Molecular consequence: missense variant.
Genome position (GRCh38, 1-based): chr22:28,699,912, T>C on the plus strand (A>G on the coding strand, the complement: CHEK2 is on the minus strand). VCF-style: chr22-28699912-T-C. GRCh37 (hg19) VCF-style: chr22-29095900-T-C.
Other names: c.1063A>G, p.Lys355Glu (NM_001005735.3); c.271A>G, p.Lys91Glu (NM_001257387.3); c.733A>G, p.Lys245Glu (NM_001349956.3); c.934A>G, p.Lys312Glu (NM_145862.3); short protein forms K312E, K245E, K91E, K355E.
Identifiers: ClinVar variation 422065 (VCV000422065.23), dbSNP rs1064795532, ClinGen allele CA16621064.